The following is an entry in ClinVar:

NM_212482.4(FN1):c.3944T>C (p.Phe1315Ser)

Gene: FN1 (fibronectin 1; minus strand). Cytogenetic location: 2q35.
Variant type: single nucleotide variant.
Coding change: c.3944T>C on transcript NM_212482.4 (MANE Select); coding-DNA position 3944, T replaced by C.
Protein change: p.Phe1315Ser; replaces phenylalanine 1315 with serine.
Molecular consequence: missense variant. On other transcripts: intron variant (10).
Genome position (GRCh38, 1-based): chr2:215,393,056, A>G on the plus strand (T>C on the coding strand, the complement: FN1 is on the minus strand). VCF-style: chr2-215393056-A-G. GRCh37 (hg19) VCF-style: chr2-216257779-A-G.
Other names: c.3944T>C, p.Phe1315Ser (NM_001306129.2, NM_001306130.2, NM_001365517.2 and 3 more transcripts); c.3797-1242T>C (NM_212474.3, NM_001306132.2, NM_001365523.2 and 7 more transcripts); short protein forms F1315S.
Identifiers: ClinVar variation 1364337 (VCV001364337.6), dbSNP rs2059889279, ClinGen allele CA350485188.

ClinVar aggregate classification (germline): Uncertain significance (1 of 4 stars; one submission).

Allele frequency attached by ClinVar (database versions not stated): gnomAD exomes below 0.00001; TOPMed below 0.00001.
gnomAD v4.1: 1 of 1,614,036 alleles (0.000062%); highest among the groups gnomAD compares: Non-Finnish European, 0.000085%; no homozygotes.

Submission:

Labcorp Genetics (formerly Invitae), Labcorp
Classification: Uncertain significance. Last evaluated: 2022-03-02. Review status: criteria provided, single submitter. Criteria: Invitae Variant Classification Sherloc (09022015). Collection method: clinical testing. Allele origin: germline.
Comment: In summary, the available evidence is currently insufficient to determine the role of this variant in disease. Therefore, it has been classified as a Variant of Uncertain Significance. Algorithms developed to predict the effect of missense changes on protein structure and function are either unavailable or do not agree on the potential impact of this missense change (SIFT: "Not Available"; PolyPhen-2: "Possibly Damaging"; Align-GVGD: "Not Available"). This variant has not been reported in the literature in individuals affected with FN1-related conditions. This variant is not present in population databases (gnomAD no frequency). This sequence change replaces phenylalanine, which is neutral and non-polar, with serine, which is neutral and polar, at codon 1315 of the FN1 protein (p.Phe1315Ser).